The following is an entry in ClinVar:

ClinVar aggregate classification (germline): Likely benign (0 of 4 stars; one submission).

Conditions:
SPIDR-related disorder. Also called: SPIDR-related condition.

Allele frequency attached by ClinVar (database versions not stated): 1000 Genomes Project 30x 0.00094; 1000 Genomes Project 0.00100; gnomAD 0.00156; TOPMed 0.00171.
gnomAD v4.1: 235 of 152,280 alleles (0.15%); highest among the groups gnomAD compares: Admixed American, 0.26%; no homozygotes.

Submission:

PreventionGenetics, part of Exact Sciences
Classification: Likely benign for SPIDR-related condition. Last evaluated: 2023-05-22. Review status: no assertion criteria provided. Collection method: clinical testing. Allele origin: germline.
Comment: This variant is classified as likely benign based on ACMG/AMP sequence variant interpretation guidelines (Richards et al. 2015 PMID: 25741868, with internal and published modifications).

NM_001080394.4(SPIDR):c.526-1387G>A

Gene: SPIDR (scaffold protein involved in DNA repair; plus strand). Cytogenetic location: 8q11.21.
Variant type: single nucleotide variant.
Coding change: c.526-1387G>A on transcript NM_001080394.4 (MANE Select); 1387 bases into the intron before coding-DNA position 526, G replaced by A.
Molecular consequence: intron variant. On other transcripts: missense variant (1), 5 prime UTR variant (2).
Genome position (GRCh38, 1-based): chr8:47,394,989, G>A. VCF-style: chr8-47394989-G-A. GRCh37 (hg19) VCF-style: chr8-48307549-G-A.
Other names: c.373G>A, p.Glu125Lys (NM_001352932.1); c.-165G>A (NM_001352949.1); c.-791G>A (NM_001352958.1); c.526-1387G>A (NM_001352931.1, NM_001352934.1, NM_001352961.1); c.27-12872G>A (NM_001352951.1, NM_001352948.1, NM_001352947.1 and 1 more transcripts); c.-56-45334G>A (NM_001352955.1, NM_001352957.1, NM_001352953.1); c.34-1387G>A (NM_001352940.1, NM_001352950.1, NM_001352943.1 and 2 more transcripts); c.-157-12872G>A (NM_001352952.1, NM_001352956.1); and 5 more; short protein forms E125K.
Identifiers: ClinVar variation 3052088 (VCV003052088.2), dbSNP rs186376230, ClinGen allele CA176550868.